The following is an entry in ClinVar:

NM_001378454.1(ALMS1):c.12068A>G (p.Glu4023Gly)

Genes: ALMS1 (ALMS1 centrosome and basal body associated protein; plus strand), LOC126806252 (BRD4-independent group 4 enhancer GRCh37_chr2:73828496-73829695; plus strand). Cytogenetic location: 2p13.1.
Variant type: single nucleotide variant.
Coding change: c.12068A>G on transcript NM_001378454.1 (MANE Select); coding-DNA position 12068, A replaced by G.
Protein change: p.Glu4023Gly; replaces glutamic acid 4023 with glycine.
Molecular consequence: missense variant.
Genome position (GRCh38, 1-based): chr2:73,601,390, A>G. VCF-style: chr2-73601390-A-G. GRCh37 (hg19) VCF-style: chr2-73828517-A-G.
Other names: c.12071A>G, p.Glu4024Gly (NM_015120.4); short protein forms E4023G, E4024G.
Identifiers: ClinVar variation 2151856 (VCV002151856.1), dbSNP rs760321596, ClinGen allele CA1715416.

ClinVar aggregate classification (germline): Uncertain significance (1 of 4 stars; one submission).

Conditions:
Alstrom syndrome (ALMS). Identifiers: Orphanet 64, MedGen C0268425, MONDO:0008763, OMIM 203800.

Allele frequency attached by ClinVar (database versions not stated): gnomAD exomes below 0.00001; ExAC 0.00001.
gnomAD v4.1: 1 of 1,614,096 alleles (0.000062%); highest among the groups gnomAD compares: Non-Finnish European, 0.000085%; no homozygotes.

Submission:

Labcorp Genetics (formerly Invitae), Labcorp
Classification: Uncertain significance for Alstrom syndrome. Last evaluated: 2022-08-16. Review status: criteria provided, single submitter. Criteria: Invitae Variant Classification Sherloc (09022015). Collection method: clinical testing. Allele origin: germline.
Comment: This sequence change replaces glutamic acid with glycine at codon 4024 of the ALMS1 protein (p.Glu4024Gly). The glutamic acid residue is weakly conserved and there is a moderate physicochemical difference between glutamic acid and glycine. This variant is present in population databases (rs760321596, gnomAD 0.0009%). This variant has not been reported in the literature in individuals affected with ALMS1-related conditions. Experimental studies and prediction algorithms are not available or were not evaluated, and the functional significance of this variant is currently unknown. In summary, the available evidence is currently insufficient to determine the role of this variant in disease. Therefore, it has been classified as a Variant of Uncertain Significance.